The following is an entry in ClinVar:

ClinVar aggregate classification (germline): Uncertain significance. Review status: criteria provided, single submitter (1 of 4 stars). 3 submissions from 3 submitters: Uncertain significance (1). 2 of the submissions do not count toward it. Last evaluated 2023-07-18.

Conditions:
BTD-related disorder. Also called: BTD-related condition.
Biotinidase deficiency. Also called: BTD deficiency; Late-onset biotin-responsive multiple carboxylase deficiency; Biotin deficiency. Identifiers: Orphanet 79241, MedGen C0220754, MONDO:0009665, OMIM 253260.

Allele frequency attached by ClinVar (database versions not stated): gnomAD exomes below 0.00001 and 0.00001; TOPMed 0.00001; gnomAD 0.00002 and 0.00001.
gnomAD v4.1: 7 of 1,613,894 alleles (0.00043%); highest among the groups gnomAD compares: South Asian, 0.0033%; no homozygotes.

Submissions (3):

Women's Health and Genetics/Laboratory Corporation of America, LabCorp
Classification: Uncertain significance. Last evaluated: 2023-07-18. Review status: criteria provided, single submitter. Criteria: LabCorp Variant Classification Summary - May 2015. Collection method: clinical testing. Allele origin: germline.
Comment: Variant summary: BTD c.296A>G (p.Asn99Ser) results in a conservative amino acid change in the encoded protein sequence. Three of five in-silico tools predict a damaging effect of the variant on protein function. The variant allele was found at a frequency of 4e-06 in 250950 control chromosomes (gnomAD). c.296A>G has been reported in the literature in at least two compound heterozygous individuals affected with Biotinidase Deficiency (example: Procter_2016). These data indicate that the variant may be associated with disease. To our knowledge, no experimental evidence demonstrating an impact on protein function has been reported. The following publication have been ascertained in the context of this evaluation (PMID: 26810761). One submitter has cited clinical-significance assessments for this variant to ClinVar after 2014 and has classified the variant as uncertain significance. Based on the evidence outlined above, the variant was classified as VUS-possibly pathogenic.

PreventionGenetics, part of Exact Sciences
Classification: Uncertain significance for BTD-related condition. Last evaluated: 2023-10-27. Review status: no assertion criteria provided. Collection method: clinical testing. Allele origin: germline. Not counted in ClinVar's aggregate classification.
Comment: The BTD c.356A>G variant is predicted to result in the amino acid substitution p.Asn119Ser. This variant was reported along with a second, known pathogenic BTD variant (c.1459del, p.Trp487Glyfs*14) in at least one individual with suspected biotinidase deficiency (Procter et al. 2016. PubMed ID: 26810761). This variant is reported in 0.0033% of alleles in individuals of South Asian descent in gnomAD. Although we suspect that this variant may be pathogenic, at this time, the clinical significance of this variant is uncertain due to the absence of conclusive functional and genetic evidence.

Counsyl
Classification: Uncertain significance for Biotinidase deficiency. Last evaluated: 2018-06-04. Review status: no assertion criteria provided. Collection method: clinical testing. Allele origin: unknown. Not counted in ClinVar's aggregate classification.

Literature cited by the submitters: PubMed 26810761 (cited by Women's Health and Genetics/Laboratory Corporation of America, LabCorp and Counsyl).

NM_001370658.1(BTD):c.296A>G (p.Asn99Ser)

Gene: BTD (biotinidase; plus strand). Cytogenetic location: 3p25.1.
Variant type: single nucleotide variant.
Coding change: c.296A>G on transcript NM_001370658.1 (MANE Select); coding-DNA position 296, A replaced by G.
Protein change: p.Asn99Ser; replaces asparagine 99 with serine.
Molecular consequence: missense variant.
Genome position (GRCh38, 1-based): chr3:15,641,954, A>G. VCF-style: chr3-15641954-A-G. GRCh37 (hg19) VCF-style: chr3-15683461-A-G.
Other names: c.356A>G, p.Asn119Ser (NM_000060.4); c.296A>G, p.Asn99Ser (NM_001370752.1, NM_001370753.1, NM_001407364.1 and 36 more transcripts); c.359A>G, p.Asn120Ser (NM_001407381.1); short protein forms N99S, N120S.
Identifiers: ClinVar variation 25000 (VCV000025000.10), dbSNP rs397514353, ClinGen allele CA278193.
Genomic context (GRCh38, chr3:15,641,954, plus strand): 5'-GTTTTCATTTTCAGGATGTACAGATTATAGTGTTTCCAGAAGATGGCATTCATGGATTCA[A>G]CTTTACAAGAACATCCATTTATCCATTTTTGGACTTCATGCCGTCTCCCCAGGTGGTCAG-3'
Protein context (NP_001357587.1, residues 89-109): VFPEDGIHGF[Asn99Ser]FTRTSIYPFL